The following is an entry in ClinVar:

NM_001378454.1(ALMS1):c.7403G>C (p.Ser2468Thr)

Gene: ALMS1 (ALMS1 centrosome and basal body associated protein; plus strand). Cytogenetic location: 2p13.1.
Variant type: single nucleotide variant.
Coding change: c.7403G>C on transcript NM_001378454.1 (MANE Select); coding-DNA position 7403, G replaced by C.
Protein change: p.Ser2468Thr; replaces serine 2468 with threonine.
Molecular consequence: missense variant.
Genome position (GRCh38, 1-based): chr2:73,453,930, G>C. VCF-style: chr2-73453930-G-C. GRCh37 (hg19) VCF-style: chr2-73681057-G-C.
Other names: c.7406G>C, p.Ser2469Thr (NM_015120.4); short protein forms S2468T, S2469T.
Identifiers: ClinVar variation 3367709 (VCV003367709.1).

ClinVar aggregate classification (germline): Uncertain significance (1 of 4 stars; one submission).

gnomAD v4.1: 2 of 1,613,982 alleles (0.00012%); highest among the groups gnomAD compares: African/African-American, 0.0027%; no homozygotes.

Submission:

GeneDx
Classification: Uncertain significance. Last evaluated: 2024-01-16. Review status: criteria provided, single submitter. Criteria: GeneDx Variant Classification Process June 2021. Collection method: clinical testing. Allele origin: germline. Affected: yes.
Comment: Has not been previously published as pathogenic or benign to our knowledge; Not observed at significant frequency in large population cohorts (gnomAD); In silico analysis supports that this missense variant has a deleterious effect on protein structure/function